The following is an entry in ClinVar:

NM_007294.4(BRCA1):c.1327_1345del (p.Lys443fs)

Gene: BRCA1 (BRCA1 DNA repair associated; minus strand). Cytogenetic location: 17q21.31.
Variant type: Deletion.
Coding change: c.1327_1345del on transcript NM_007294.4 (MANE Select); coding-DNA positions 1327 to 1345, 19 bases deleted (AAAAGTGAAAGAGTTCACT).
Protein change: p.Lys443fs; shifts the reading frame from lysine 443.
Molecular consequence: frameshift variant. On other transcripts: intron variant (137).
Genome position (GRCh38, 1-based): chr17:43,094,186-43,094,204, AGTGAACTCTTTCACTTTT deleted on the plus strand (AAAAGTGAAAGAGTTCACT on the coding strand, the reverse complement: BRCA1 is on the minus strand); deleting any 19 consecutive bases within chr17:43,094,186-43,094,205 gives the same sequence; the c. name uses the placement nearest the transcript's 3' end. VCF-style (leftmost placement, unchanged base first): chr17-43094185-GAGTGAACTCTTTCACTTTT-G. GRCh37 (hg19) VCF-style: chr17-41246202-GAGTGAACTCTTTCACTTTT-G.
Other names: 1446_1464del19; c.1204_1222del, p.Lys402fs (NM_001407937.1, NM_001407938.1, NM_001407939.1 and 19 more transcripts); c.1201_1219del, p.Lys401fs (NM_001407940.1, NM_001407941.1, NM_001407649.1 and 11 more transcripts); c.1186_1204del, p.Lys396fs (NM_001407942.1, NM_001407944.1, NM_001407945.1 and 29 more transcripts); c.1183_1201del, p.Lys395fs (NM_001407943.1, NM_001407964.1, NM_001407740.1 and 20 more transcripts); c.994_1012del, p.Lys332fs (NM_001407946.1, NM_001407947.1, NM_001407948.1 and 6 more transcripts); c.991_1009del, p.Lys331fs (NM_001407954.1, NM_001407955.1, NM_001407956.1 and 1 more transcripts); c.946_964del, p.Lys316fs (NM_001407959.1, NM_001407960.1, NM_001407963.1); and 42 more; short protein forms K443fs, K396fs, K331fs, K442fs, K316fs, K373fs, K395fs, K416fs.
Identifiers: ClinVar variation 266156 (VCV000266156.6), dbSNP rs886039942, ClinGen allele CA10589946.

ClinVar aggregate classification (germline): Pathogenic. Review status: reviewed by expert panel (3 of 4 stars). 2 submissions from 2 submitters: Pathogenic (1). 1 of the submissions does not count toward it. Last evaluated 2016-10-18.

Conditions:
Breast-ovarian cancer, familial, susceptibility to, 1 (BROVCA1). Also called: BRCA1 Hereditary Breast and Ovarian Cancer; OVARIAN CANCER, SUSCEPTIBILITY TO. Identifiers: Orphanet 145, MedGen C2676676, MONDO:0011450, OMIM 604370. Disease mechanism: loss of function.

Submissions (2):

Evidence-based Network for the Interpretation of Germline Mutant Alleles (ENIGMA)
Classification: Pathogenic for Breast-ovarian cancer, familial, susceptibility to, 1. Last evaluated: 2016-10-18. Review status: reviewed by expert panel. Criteria: ENIGMA BRCA1/2 Classification Criteria (2015). Collection method: curation. Allele origin: germline.
Comment: Variant allele predicted to encode a truncated non-functional protein.

Consortium of Investigators of Modifiers of BRCA1/2 (CIMBA), c/o University of Cambridge
Classification: Pathogenic for Breast-ovarian cancer, familial, susceptibility to, 1. Last evaluated: 2015-10-02. Review status: criteria provided, single submitter. Criteria: CIMBA Mutation Classification guidelines May 2016. Collection method: clinical testing. Allele origin: germline. Not counted in ClinVar's aggregate classification.